The following is an entry in ClinVar:

NM_001034853.2(RPGR):c.1251del (p.Arg417fs)

Gene: RPGR (retinitis pigmentosa GTPase regulator; minus strand). Cytogenetic location: Xp11.4.
Variant type: Deletion.
Coding change: c.1251del on transcript NM_001034853.2 (MANE Select); coding-DNA position 1251, one base deleted (G; older notation c.1251delG).
Protein change: p.Arg417fs; shifts the reading frame from arginine 417.
Molecular consequence: frameshift variant. On other transcripts: non-coding transcript variant (6).
Genome position (GRCh38, 1-based): chrX:38,297,447, C deleted on the plus strand (G on the coding strand, the reverse complement: RPGR is on the minus strand); the first of 2 consecutive C bases (chrX:38,297,447-38,297,448); deleting either gives the same sequence. VCF-style (leftmost placement, unchanged base first): chrX-38297446-AC-A. GRCh37 (hg19) VCF-style: chrX-38156699-AC-A.
Other names: c.1251del, p.Arg417fs (NM_000328.3, NM_001367247.1); c.1248del, p.Arg416fs (NM_001367245.1, NM_001367249.1, NM_001367250.1); c.1065del, p.Arg355fs (NM_001367246.1, NM_001367251.1); c.1281del, p.Arg427fs (NM_001367248.1); short protein forms R427fs, R416fs, R417fs, R355fs.
Identifiers: ClinVar variation 2090162 (VCV002090162.4), dbSNP rs2519823354, ClinGen allele CA2580100856.

ClinVar aggregate classification (germline): Pathogenic (1 of 4 stars; one submission).

Conditions:
Primary ciliary dyskinesia. Also called: Ciliary dyskinesia. Identifiers: Orphanet 244, MedGen C0008780, MONDO:0016575, HP:0012265.

Submission:

Labcorp Genetics (formerly Invitae), Labcorp
Classification: Pathogenic for Primary ciliary dyskinesia. Last evaluated: 2022-04-28. Review status: criteria provided, single submitter. Criteria: Invitae Variant Classification Sherloc (09022015). Collection method: clinical testing. Allele origin: germline.
Comment: This sequence change creates a premature translational stop signal (p.Arg417Serfs*8) in the RPGR gene. It is expected to result in an absent or disrupted protein product. Loss-of-function variants in RPGR are known to be pathogenic (PMID: 16055928, 16969763). This variant is not present in population databases (gnomAD no frequency). This variant has not been reported in the literature in individuals affected with RPGR-related conditions. For these reasons, this variant has been classified as Pathogenic.

Literature cited by the submitters: PubMed 16055928; PubMed 16969763.